The following is an entry in ClinVar:

ClinVar aggregate classification (germline): Conflicting classifications of pathogenicity. Review status: criteria provided, conflicting classifications (1 of 4 stars). 12 submissions from 12 submitters: Uncertain significance (1); Benign (4); Likely benign (6). 1 of the submissions does not count toward it. Last evaluated 2026-09-01.

Conditions:
FANCL-related disorder. Also called: FANCL-related condition.
Fanconi anemia (FA). Also called: Fanconi's anemia. Identifiers: Orphanet 84, MedGen C0015625, MeSH D005199, MONDO:0019391.
Fanconi anemia complementation group L (FANCL). Also called: FANCL-Related Fanconi Anemia. Identifiers: Orphanet 84, MedGen C3469528, MONDO:0013566, OMIM 614083.

Allele frequency attached by ClinVar (database versions not stated): 1000 Genomes Project 30x 0.00141; 1000 Genomes Project 0.00180; TOPMed 0.00234; gnomAD 0.00310 and 0.00322; ExAC 0.00331; gnomAD exomes 0.00337 and 0.00409; ESP Exome Variant Server 0.00361.

Submissions (12):

CeGaT Center for Human Genetics Tuebingen
Classification: Likely benign. Last evaluated: 2026-09-01. Review status: criteria provided, single submitter. Criteria: CeGaT Center For Human Genetics Tuebingen Variant Classification Criteria Version 2. Collection method: clinical testing. Allele origin: germline. Affected: yes. Observed: 24 variant alleles.
Comment: FANCL: BP4, BS2

Labcorp Genetics (formerly Invitae), Labcorp
Classification: Benign for Fanconi anemia. Last evaluated: 2026-01-31. Review status: criteria provided, single submitter. Criteria: Invitae Variant Classification Sherloc (09022015). Collection method: clinical testing. Allele origin: germline.

Dasa
Classification: Likely benign. Last evaluated: 2026-01-05. Review status: criteria provided, single submitter. Criteria: DASA Assertion Criteria. Collection method: clinical testing. Allele origin: germline.
Comment: NM_018062.4(FANCL):c.112C>T (p.Leu38Phe) is a missense variant that results in the substitution of leucine with phenylalanine. Population frequency is inconsistent with a disease-causing role for this variant, and the variant context is inconsistent with a known disease-causing mechanism. Therefore, based on the currently available evidence, this variant is classified as likely benign.

ARUP Laboratories, Molecular Genetics and Genomics, ARUP Laboratories
Classification: Likely benign for Fanconi anemia complementation group L. Last evaluated: 2024-09-05. Review status: criteria provided, single submitter. Criteria: ARUP Molecular Germline Variant Investigation Process 2024. Collection method: clinical testing. Allele origin: germline.

KCCC/NGS Laboratory, Kuwait Cancer Control Center
Classification: Benign for Fanconi anemia complementation group L. Last evaluated: 2023-07-07. Review status: criteria provided, single submitter. Criteria: ACMG Guidelines, 2015. Collection method: clinical testing. Allele origin: germline. Affected: yes.

Institute for Clinical Genetics, University Hospital TU Dresden, University Hospital TU Dresden
Classification: Uncertain significance. Last evaluated: 2021-11-03. Review status: criteria provided, single submitter. Criteria: ACMG Guidelines, 2015. Collection method: clinical testing. Allele origin: germline.

Genetic Services Laboratory, University of Chicago
Classification: Benign. Last evaluated: 2021-06-24. Review status: criteria provided, single submitter. Criteria: ACMG Guidelines, 2015. Collection method: clinical testing. Allele origin: germline. Affected: no.

Sema4
Classification: Likely benign for Fanconi anemia. Last evaluated: 2021-06-19. Review status: criteria provided, single submitter. Criteria: Sema4 Curation Guidelines. Collection method: curation. Allele origin: germline.

GeneDx
Classification: Likely benign. Last evaluated: 2020-01-24. Review status: criteria provided, single submitter. Criteria: GeneDx Variant Classification Process June 2021. Collection method: clinical testing. Allele origin: germline. Affected: yes.
Comment: This variant is associated with the following publications: (PMID: 27153395, 24459294)

Illumina Laboratory Services, Illumina
Classification: Benign for Fanconi anemia complementation group L. Last evaluated: 2018-03-08. Review status: criteria provided, single submitter. Criteria: ICSL Variant Classification Criteria 13 December 2019. Collection method: clinical testing. Allele origin: germline.
Comment: This variant was observed as part of a predisposition screen in an ostensibly healthy population. A literature search was performed for the gene, cDNA change, and amino acid change (where applicable). No publications were found based on this search. Allele frequency data from public databases was too high to be consistent with this variant causing disease. Therefore, this variant is classified as benign.

Center for Pediatric Genomic Medicine, Children's Mercy Hospital and Clinics
Classification: Likely benign. Last evaluated: 2017-05-31. Review status: criteria provided, single submitter. Criteria: ACMG Guidelines, 2015. Collection method: clinical testing. Allele origin: germline.

PreventionGenetics, part of Exact Sciences
Classification: Likely benign for FANCL-related condition. Last evaluated: 2019-10-14. Review status: no assertion criteria provided. Collection method: clinical testing. Allele origin: germline. Not counted in ClinVar's aggregate classification.
Comment: This variant is classified as likely benign based on ACMG/AMP sequence variant interpretation guidelines (Richards et al. 2015 PMID: 25741868, with internal and published modifications).

NM_018062.4(FANCL):c.112C>T (p.Leu38Phe)

Gene: FANCL (FA complementation group L; minus strand). Cytogenetic location: 2p16.1.
Variant type: single nucleotide variant.
Coding change: c.112C>T on transcript NM_018062.4 (MANE Select); coding-DNA position 112, C replaced by T.
Protein change: p.Leu38Phe; replaces leucine 38 with phenylalanine.
Molecular consequence: missense variant.
Genome position (GRCh38, 1-based): chr2:58,232,097, G>A on the plus strand (C>T on the coding strand, the complement: FANCL is on the minus strand). VCF-style: chr2-58232097-G-A. GRCh37 (hg19) VCF-style: chr2-58459232-G-A.
Other names: c.112C>T, p.Leu38Phe (NM_001114636.2, NM_001374615.1, NM_001410792.1); short protein forms L38F.
Identifiers: ClinVar variation 221092 (VCV000221092.64), dbSNP rs55849827, ClinGen allele CA350328.
Genomic context (GRCh38, chr2:58,232,097, plus strand): 5'-ACTAAACACCATATCACCTTGCATTCTTCAGTTGTAAATCTTCAGGCAACACTATCCTAA[G>A]GTGGAAGTCTCTTCCCTGTGGAAAATATTGAAAAGGATCACTCAAATTTTTATCTTTCAC-3'
Protein context (NP_060532.2, residues 28-48): FISAQGRDFH[Leu38Phe]RIVLPEDLQL